The following is an entry in ClinVar:

ClinVar aggregate classification (germline): Likely benign (0 of 4 stars; one submission).

Conditions:
CUL7-related disorder. Also called: CUL7-related condition.

Allele frequency attached by ClinVar (database versions not stated): TOPMed 0.00002.

Submission:

PreventionGenetics, part of Exact Sciences
Classification: Likely benign for CUL7-related condition. Last evaluated: 2019-04-30. Review status: no assertion criteria provided. Collection method: clinical testing. Allele origin: germline.
Comment: This variant is classified as likely benign based on ACMG/AMP sequence variant interpretation guidelines (Richards et al. 2015 PMID: 25741868, with internal and published modifications).

NM_014780.5(CUL7):c.3645+34C>A

Gene: CUL7 (cullin 7; minus strand). Cytogenetic location: 6p21.1.
Variant type: single nucleotide variant.
Coding change: c.3645+34C>A on transcript NM_014780.5 (MANE Select); 34 bases into the intron after coding-DNA position 3645, C replaced by A.
Molecular consequence: intron variant.
Genome position (GRCh38, 1-based): chr6:43,042,768, G>T on the plus strand (C>A on the coding strand, the complement: CUL7 is on the minus strand). VCF-style: chr6-43042768-G-T. GRCh37 (hg19) VCF-style: chr6-43010506-G-T.
Other names: c.3741+34C>A (NM_001168370.2, NM_001374872.1); c.3642+34C>A (NM_001374874.1); c.3645+34C>A (NM_001374873.1).
Identifiers: ClinVar variation 3056970 (VCV003056970.2), dbSNP rs1402391345, ClinGen allele CA824880315.
Genomic context (GRCh38, chr6:43,042,768, plus strand): 5'-AGAATGGGAATGGAAGGGTGGGTCATTTGGAGGAGGTGAGGAAGGGAGAGTTTGTCGGAA[G>T]AGACCCAAGGATGAGGCAAGGGTAGAGGCTTACGTGGGCAGCTTTGAGAAAAGGGAGCTT-3'